The following is an entry in ClinVar:

NM_001032283.3(TMPO):c.341_342del (p.Glu114fs)

Gene: TMPO (thymopoietin; plus strand). Cytogenetic location: 12q23.1.
Variant type: Microsatellite.
Coding change: c.341_342del on transcript NM_001032283.3 (MANE Select); coding-DNA positions 341 to 342, 2 bases deleted (AG; older notation c.341_342delAG).
Protein change: p.Glu114fs; shifts the reading frame from glutamic acid 114.
Molecular consequence: frameshift variant.
Genome position (GRCh38, 1-based): chr12:98,527,947-98,527,948, AG deleted; deleting any 2 consecutive bases within chr12:98,527,945-98,527,948 gives the same sequence; the c. name uses the placement nearest the transcript's 3' end. VCF-style (leftmost placement, unchanged base first): chr12-98527944-CAG-C. GRCh37 (hg19) VCF-style: chr12-98921722-CAG-C.
Other names: c.341_342del, p.Glu114fs (NM_001032284.3, NM_001307975.2, NM_003276.2); short protein forms E114fs.
Identifiers: ClinVar variation 3701868 (VCV003701868.2).

ClinVar aggregate classification (germline): Uncertain significance (1 of 4 stars; one submission).

Conditions:
Loeys-Dietz syndrome 2 (LDS2). Also called: Marfan syndrome, type 2 (formerly); TGFBR2-Related Loeys-Dietz Syndrome; AORTIC ANEURYSM, FAMILIAL THORACIC 3; MARFAN SYNDROME, TYPE II; Marfan Syndrome type 2; Marfan like connective tissue disorder. Identifiers: Orphanet 284973, Orphanet 558, MedGen C2674574, MONDO:0012427, OMIM 610168.

Submission:

Labcorp Genetics (formerly Invitae), Labcorp
Classification: Uncertain significance for Loeys-Dietz syndrome 2. Last evaluated: 2024-10-21. Review status: criteria provided, single submitter. Criteria: Invitae Variant Classification Sherloc (09022015). Collection method: clinical testing. Allele origin: germline.
Comment: This sequence change creates a premature translational stop signal (p.Glu114Alafs*3) in the TMPO gene. It is expected to result in an absent or disrupted protein product. However, the current clinical and genetic evidence is not sufficient to establish whether loss-of-function variants in TMPO cause disease. This variant is not present in population databases (gnomAD no frequency). This variant has not been reported in the literature in individuals affected with TMPO-related conditions. In summary, the available evidence is currently insufficient to determine the role of this variant in disease. Therefore, it has been classified as a Variant of Uncertain Significance.